The following is an entry in ClinVar:

ClinVar aggregate classification (germline): Uncertain significance (1 of 4 stars; one submission).

Submission:

Labcorp Genetics (formerly Invitae), Labcorp
Classification: Uncertain significance. Last evaluated: 2022-10-18. Review status: criteria provided, single submitter. Criteria: Invitae Variant Classification Sherloc (09022015). Collection method: clinical testing. Allele origin: germline.
Comment: In summary, the available evidence is currently insufficient to determine the role of this variant in disease. Therefore, it has been classified as a Variant of Uncertain Significance. Advanced modeling of protein sequence and biophysical properties (such as structural, functional, and spatial information, amino acid conservation, physicochemical variation, residue mobility, and thermodynamic stability) performed at Invitae indicates that this missense variant is not expected to disrupt CTNNB1 protein function. This variant has not been reported in the literature in individuals affected with CTNNB1-related conditions. This variant is not present in population databases (gnomAD no frequency). This sequence change replaces glycine, which is neutral and non-polar, with alanine, which is neutral and non-polar, at codon 442 of the CTNNB1 protein (p.Gly442Ala).

NM_001904.4(CTNNB1):c.1325G>C (p.Gly442Ala)

Genes: CTNNB1 (catenin beta 1; plus strand), LOC126806659 (BRD4-independent group 4 enhancer GRCh37_chr3:41274918-41276117; plus strand). Cytogenetic location: 3p22.1.
Variant type: single nucleotide variant.
Coding change: c.1325G>C on transcript NM_001904.4 (MANE Select); coding-DNA position 1325, G replaced by C.
Protein change: p.Gly442Ala; replaces glycine 442 with alanine.
Molecular consequence: missense variant.
Genome position (GRCh38, 1-based): chr3:41,233,668, G>C. VCF-style: chr3-41233668-G-C. GRCh37 (hg19) VCF-style: chr3-41275159-G-C.
Other names: c.1325G>C, p.Gly442Ala (NM_001098209.2, NM_001098210.2); c.1304G>C, p.Gly435Ala (NM_001330729.2); short protein forms G435A, G442A.
Identifiers: ClinVar variation 1721825 (VCV001721825.6), dbSNP rs2125639536, ClinGen allele CA352233055.